The following is an entry in ClinVar:

NM_001035.3(RYR2):c.6973A>G (p.Ile2325Val)

Gene: RYR2 (ryanodine receptor 2; plus strand). Cytogenetic location: 1q43.
Variant type: single nucleotide variant.
Coding change: c.6973A>G on transcript NM_001035.3 (MANE Select); coding-DNA position 6973, A replaced by G.
Protein change: p.Ile2325Val; replaces isoleucine 2325 with valine.
Molecular consequence: missense variant.
Genome position (GRCh38, 1-based): chr1:237,639,059, A>G. VCF-style: chr1-237639059-A-G. GRCh37 (hg19) VCF-style: chr1-237802359-A-G.
Other names: short protein forms I2325V.
Identifiers: ClinVar variation 3633806 (VCV003633806.2).

ClinVar aggregate classification (germline): Pathogenic (1 of 4 stars; one submission).

Conditions:
Catecholaminergic polymorphic ventricular tachycardia 1. Also called: VENTRICULAR TACHYCARDIA, CATECHOLAMINERGIC POLYMORPHIC, 1, WITH OR WITHOUT ATRIAL DYSFUNCTION AND/OR DILATED CARDIOMYOPATHY; RYR2-Related Catecholaminergic Polymorphic Ventricular Tachycardia; VENTRICULAR TACHYCARDIA, STRESS-INDUCED POLYMORPHIC 1. Identifiers: Orphanet 3286, MedGen C1631597, MONDO:0011484, OMIM 604772.

Submission:

Labcorp Genetics (formerly Invitae), Labcorp
Classification: Pathogenic for Catecholaminergic polymorphic ventricular tachycardia 1. Last evaluated: 2024-11-25. Review status: criteria provided, single submitter. Criteria: Invitae Variant Classification Sherloc (09022015). Collection method: clinical testing. Allele origin: germline.
Comment: This sequence change replaces isoleucine, which is neutral and non-polar, with valine, which is neutral and non-polar, at codon 2325 of the RYR2 protein (p.Ile2325Val). This variant is not present in population databases (gnomAD no frequency). This missense change has been observed in individual(s) with catecholaminergic polymorphic ventricular tachycardia (internal data). In at least one individual the variant was observed to be de novo. Invitae Evidence Modeling of protein sequence and biophysical properties (such as structural, functional, and spatial information, amino acid conservation, physicochemical variation, residue mobility, and thermodynamic stability) indicates that this missense variant is expected to disrupt RYR2 protein function with a positive predictive value of 95%. For these reasons, this variant has been classified as Pathogenic.